The following is an entry in ClinVar:

NM_001349253.2(SCN11A):c.1987A>G (p.Lys663Glu)

Gene: SCN11A (sodium voltage-gated channel alpha subunit 11; minus strand). Cytogenetic location: 3p22.2.
Variant type: single nucleotide variant.
Coding change: c.1987A>G on transcript NM_001349253.2 (MANE Select); coding-DNA position 1987, A replaced by G.
Protein change: p.Lys663Glu; replaces lysine 663 with glutamic acid.
Molecular consequence: missense variant.
Genome position (GRCh38, 1-based): chr3:38,899,929, T>C on the plus strand (A>G on the coding strand, the complement: SCN11A is on the minus strand). VCF-style: chr3-38899929-T-C. GRCh37 (hg19) VCF-style: chr3-38941420-T-C.
Other names: c.1987A>G, p.Lys663Glu (NM_014139.3); short protein forms K663E.
Identifiers: ClinVar variation 1043909 (VCV001043909.5), dbSNP rs2065669248, ClinGen allele CA352161202.

ClinVar aggregate classification (germline): Uncertain significance (1 of 4 stars; one submission).

Conditions:
Hereditary sensory and autonomic neuropathy type 7. Also called: HSAN VII; Neuropathy, hereditary sensory and autonomic, type VII. Identifiers: Orphanet 391397, MedGen C3809882, MONDO:0014244, OMIM 615548.
Familial episodic pain syndrome with predominantly lower limb involvement. Also called: Episodic pain syndrome, familial, 3. Identifiers: Orphanet 391384, Orphanet 391392, MedGen C3809899, MONDO:0014247, OMIM 615552.

Submission:

Labcorp Genetics (formerly Invitae), Labcorp
Classification: Uncertain significance for Familial episodic pain syndrome with predominantly lower limb involvement; Hereditary sensory and autonomic neuropathy type 7. Last evaluated: 2020-03-19. Review status: criteria provided, single submitter. Criteria: Invitae Variant Classification Sherloc (09022015). Collection method: clinical testing. Allele origin: germline.
Comment: Algorithms developed to predict the effect of sequence changes on RNA splicing suggest that this variant may create or strengthen a splice site, but this prediction has not been confirmed by published transcriptional studies. Algorithms developed to predict the effect of missense changes on protein structure and function output the following: SIFT: "Tolerated"; PolyPhen-2: "Benign"; Align-GVGD: "Class C0". The glutamic acid amino acid residue is found in multiple mammalian species, suggesting that this missense change does not adversely affect protein function. These predictions have not been confirmed by published functional studies and their clinical significance is uncertain. In summary, the available evidence is currently insufficient to determine the role of this variant in disease. Therefore, it has been classified as a Variant of Uncertain Significance. This variant has not been reported in the literature in individuals with SCN11A-related conditions. This variant is not present in population databases (ExAC no frequency). This sequence change replaces lysine with glutamic acid at codon 663 of the SCN11A protein (p.Lys663Glu). The lysine residue is moderately conserved and there is a small physicochemical difference between lysine and glutamic acid.